The following is an entry in ClinVar:

ClinVar aggregate classification (germline): Likely benign. Review status: criteria provided, multiple submitters, no conflicts (2 of 4 stars). 2 submissions from 2 submitters: Likely benign (2). Last evaluated 2025-03-19.

Conditions:
Familial cancer of breast. Also called: Hereditary breast cancer; BREAST CANCER, FAMILIAL; hereditary breast carcinoma. Identifiers: Orphanet 227535, MedGen C0346153, MONDO:0016419, OMIM 114480. Disease mechanism: loss of function.
Ataxia-telangiectasia syndrome (AT). Also called: Ataxia-telangiectasia; Cerebello-oculocutaneous telangiectasia; Immunodeficiency with ataxia telangiectasia; ATAXIA-TELANGIECTASIA, COMPLEMENTATION GROUP A; ATAXIA-TELANGIECTASIA, FRESNO VARIANT; Ataxia-telangiectasia, complementation group D. Identifiers: Orphanet 100, MedGen C0004135, MONDO:0008840, OMIM 208900.

Allele frequency attached by ClinVar (database versions not stated): ExAC 0.00001; gnomAD 0.00001; gnomAD exomes 0.00001; 1000 Genomes Project 30x 0.00016; 1000 Genomes Project 0.00020.

Submissions (2):

Labcorp Genetics (formerly Invitae), Labcorp
Classification: Likely benign for Ataxia-telangiectasia syndrome. Last evaluated: 2025-03-19. Review status: criteria provided, single submitter. Criteria: Invitae Variant Classification Sherloc (09022015). Collection method: clinical testing. Allele origin: germline.

Myriad Genetics, Inc.
Classification: Likely benign for Familial cancer of breast. Last evaluated: 2024-04-17. Review status: criteria provided, single submitter. Criteria: Myriad Autosomal Dominant, Autosomal Recessive and X-Linked Classification Criteria (2023). Collection method: clinical testing. Allele origin: unknown.
Comment: This variant is considered likely benign. This variant is intronic and is not expected to impact mRNA splicing.

NM_000051.4(ATM):c.185+7T>C

Gene: ATM (ATM serine/threonine kinase; plus strand). Cytogenetic location: 11q22.3.
Variant type: single nucleotide variant.
Coding change: c.185+7T>C on transcript NM_000051.4 (MANE Select); 7 bases into the intron after coding-DNA position 185, T replaced by C.
Molecular consequence: intron variant.
Genome position (GRCh38, 1-based): chr11:108,227,895, T>C. VCF-style: chr11-108227895-T-C. GRCh37 (hg19) VCF-style: chr11-108098622-T-C.
Other names: c.185+7T>C (NM_001351834.2, NM_001351835.2, NM_001351836.2).
Identifiers: ClinVar variation 414553 (VCV000414553.13), dbSNP rs143404880, ClinGen allele CA6264520.